The following is an entry in ClinVar:

NC_000017.11:g.50198185_50198186delinsT

Gene: COL1A1 (collagen type I alpha 1 chain; minus strand). Cytogenetic location: 17q21.33.
Variant type: Indel.
Genome position: GRCh38 VCF-style: chr17-50198185-AC-T. GRCh37 (hg19) VCF-style: chr17-48275546-AC-T.
Other names: c.563_564delinsA, p.Gly188fs (LRG_1t1).
Identifiers: ClinVar variation 456791 (VCV000456791.7), dbSNP rs1555574802, ClinGen allele CA658656724.

ClinVar aggregate classification (germline): Pathogenic. Review status: criteria provided, multiple submitters, no conflicts (2 of 4 stars). 2 submissions from 2 submitters: Pathogenic (2). Last evaluated 2020-04-09.

Conditions:
Osteogenesis imperfecta type I (OI1). Also called: OI, TYPE I; OSTEOGENESIS IMPERFECTA TARDA; OSTEOGENESIS IMPERFECTA WITH BLUE SCLERAE; Osteogenesis imperfecta type 1; Lobstein's Disease; Lobstein disease. Identifiers: Orphanet 216796, Orphanet 666, MedGen C0023931, MONDO:0008146, OMIM 166200. Disease mechanism: loss of function.

Submissions (2):

Mayo Clinic Laboratories, Mayo Clinic
Classification: Pathogenic. Last evaluated: 2020-04-09. Review status: criteria provided, single submitter. Criteria: ACMG Guidelines, 2015. Collection method: clinical testing. Allele origin: germline. Observed: 1 variant allele.
Comment: PVS1, PM2, PP4

Labcorp Genetics (formerly Invitae), Labcorp
Classification: Pathogenic for Osteogenesis imperfecta type I. Last evaluated: 2016-05-16. Review status: criteria provided, single submitter. Criteria: Invitae Variant Classification Sherloc (09022015). Collection method: clinical testing. Allele origin: germline.
Comment: For these reasons, this variant has been classified as Pathogenic. While this particular variant has not been reported in the literature, truncating variants in COL1A1 are known to be pathogenic (PMID: 15864348, 9295084, 2794057). This sequence change deletes 2 nucleotide and inserts 1 nucleotides in exon 7 of the COL1A1 mRNA (c.563_564delinsA), causing a frameshift at codon 188. This creates a premature translational stop signal (p.Gly188Aspfs*77) and is expected to result in an absent or disrupted protein product.

Literature cited by the submitters: PubMed 15864348 (cited by Labcorp Genetics (formerly Invitae), Labcorp); PubMed 9295084 (cited by Labcorp Genetics (formerly Invitae), Labcorp); PubMed 2794057 (cited by Labcorp Genetics (formerly Invitae), Labcorp).